The following is an entry in ClinVar:

NM_003480.4(MFAP5):c.473G>T (p.Arg158Leu)

Genes: MFAP5 (microfibril associated protein 5; minus strand), LOC126861443 (BRD4-independent group 4 enhancer GRCh37_chr12:8800473-8801672; plus strand). Cytogenetic location: 12p13.31.
Variant type: single nucleotide variant.
Coding change: c.473G>T on transcript NM_003480.4 (MANE Select); coding-DNA position 473, G replaced by T.
Protein change: p.Arg158Leu; replaces arginine 158 with leucine.
Molecular consequence: missense variant. On other transcripts: non-coding transcript variant (2).
Genome position (GRCh38, 1-based): chr12:8,648,140, C>A on the plus strand (G>T on the coding strand, the complement: MFAP5 is on the minus strand). VCF-style: chr12-8648140-C-A. GRCh37 (hg19) VCF-style: chr12-8800736-C-A.
Other names: p.Arg158Leu; c.473G>T (NM_003480.2); c.443G>T, p.Arg148Leu (NM_001297709.2); c.407G>T, p.Arg136Leu (NM_001297710.2); c.398G>T, p.Arg133Leu (NM_001297711.2); c.281G>T, p.Arg94Leu (NM_001297712.2); short protein forms R136L, R148L, R133L, R94L, R158L.
Identifiers: ClinVar variation 2973162 (VCV002973162.5), dbSNP rs934344533, ClinGen allele CA384038678.

ClinVar aggregate classification (germline): Uncertain significance. Review status: criteria provided, multiple submitters, no conflicts (2 of 4 stars). 3 submissions from 3 submitters: Uncertain significance (3). Last evaluated 2025-07-02.

Conditions:
Cardiovascular phenotype. Identifiers: MedGen CN230736.

gnomAD v4.1: 1 of 1,613,920 alleles (0.000062%); highest among the groups gnomAD compares: Non-Finnish European, 0.000085%; no homozygotes.

Submissions (3):

Labcorp Genetics (formerly Invitae), Labcorp
Classification: Uncertain significance. Last evaluated: 2025-07-02. Review status: criteria provided, single submitter. Criteria: Invitae Variant Classification Sherloc (09022015). Collection method: clinical testing. Allele origin: germline.
Comment: This sequence change replaces arginine, which is basic and polar, with leucine, which is neutral and non-polar, at codon 158 of the MFAP5 protein (p.Arg158Leu). This variant is not present in population databases (gnomAD no frequency). This variant has not been reported in the literature in individuals affected with MFAP5-related conditions. ClinVar contains an entry for this variant (Variation ID: 2973162). An algorithm developed to predict the effect of missense changes on protein structure and function outputs the following: PolyPhen-2: "Benign". The leucine amino acid residue is found in multiple mammalian species, which suggests that this missense change does not adversely affect protein function. In summary, the available evidence is currently insufficient to determine the role of this variant in disease. Therefore, it has been classified as a Variant of Uncertain Significance.

Ambry Genetics
Classification: Uncertain significance for Cardiovascular phenotype. Last evaluated: 2024-10-14. Review status: criteria provided, single submitter. Criteria: Ambry Variant Classification Scheme 2023. Collection method: clinical testing. Allele origin: germline.
Comment: The p.R158L variant (also known as c.473G>T), located in coding exon 9 of the MFAP5 gene, results from a G to T substitution at nucleotide position 473. The arginine at codon 158 is replaced by leucine, an amino acid with dissimilar properties. This amino acid position is conserved. In addition, this alteration is predicted to be tolerated by in silico analysis. Based on the available evidence, the clinical significance of this variant remains unclear.

Mayo Clinic Laboratories, Mayo Clinic
Classification: Uncertain significance. Last evaluated: 2024-06-26. Review status: criteria provided, single submitter. Criteria: ACMG Guidelines, 2015. Collection method: clinical testing. Allele origin: germline. Observed: 1 variant allele.
Comment: PM2